The following is an entry in ClinVar:

ClinVar aggregate classification (germline): Uncertain significance (1 of 4 stars; one submission).

Conditions:
Cardiovascular phenotype. Identifiers: MedGen CN230736.

Allele frequency attached by ClinVar (database versions not stated): gnomAD exomes below 0.00001; gnomAD 0.00001.
gnomAD v4.1: 8 of 1,614,056 alleles (0.0005%); highest among the groups gnomAD compares: Non-Finnish European, 0.00068%; no homozygotes.

Submission:

Ambry Genetics
Classification: Uncertain significance for Cardiovascular phenotype. Last evaluated: 2020-10-19. Review status: criteria provided, single submitter. Criteria: Ambry Variant Classification Scheme 2023. Collection method: clinical testing. Allele origin: germline.
Comment: The p.Q2759R variant (also known as c.8276A>G), located in coding exon 33 of the AKAP9 gene, results from an A to G substitution at nucleotide position 8276. The glutamine at codon 2759 is replaced by arginine, an amino acid with highly similar properties. This amino acid position is not well conserved in available vertebrate species. In addition, this alteration is predicted to be tolerated by in silico analysis. Since supporting evidence is limited at this time, the clinical significance of this alteration remains unclear.

NM_005751.5(AKAP9):c.8276A>G (p.Gln2759Arg)

Gene: AKAP9 (A-kinase anchoring protein 9; plus strand). Cytogenetic location: 7q21.2.
Variant type: single nucleotide variant.
Coding change: c.8276A>G on transcript NM_005751.5 (MANE Select); coding-DNA position 8276, A replaced by G.
Protein change: p.Gln2759Arg; replaces glutamine 2759 with arginine.
Molecular consequence: missense variant.
Genome position (GRCh38, 1-based): chr7:92,083,285, A>G. VCF-style: chr7-92083285-A-G. GRCh37 (hg19) VCF-style: chr7-91712599-A-G.
Other names: c.2921A>G, p.Gln974Arg (NM_001379277.1); c.8252A>G, p.Gln2751Arg (NM_147185.3); short protein forms Q2751R, Q2759R, Q974R.
Identifiers: ClinVar variation 1762708 (VCV001762708.2), dbSNP rs963879028, ClinGen allele CA161887183.
Genomic context (GRCh38, chr7:92,083,285, plus strand): 5'-ACCTCGCAGAGGCAAAAGAGAAATTGTCCATTTTAGAAAAAGAAGATGAGACTGAGGTAC[A>G]AGAAAGCAAAAAGGCCTGCATGTTTGAGCCACTTCCTATAAAACTGAGTAAGAGCATTGC-3'
Protein context (NP_005742.4, residues 2749-2769): ILEKEDETEV[Gln2759Arg]ESKKACMFEP